The following is an entry in ClinVar:

NM_017671.5(FERMT1):c.1604G>A (p.Arg535Gln)

Gene: FERMT1 (FERM domain containing kindlin 1; minus strand). Cytogenetic location: 20p12.3.
Variant type: single nucleotide variant.
Coding change: c.1604G>A on transcript NM_017671.5 (MANE Select); coding-DNA position 1604, G replaced by A.
Protein change: p.Arg535Gln; replaces arginine 535 with glutamine.
Molecular consequence: missense variant.
Genome position (GRCh38, 1-based): chr20:6,084,154, C>T on the plus strand (G>A on the coding strand, the complement: FERMT1 is on the minus strand). VCF-style: chr20-6084154-C-T. GRCh37 (hg19) VCF-style: chr20-6064801-C-T.
Other names: short protein forms R535Q.
Identifiers: ClinVar variation 1435015 (VCV001435015.6), dbSNP rs373229817, ClinGen allele CA9758080.

ClinVar aggregate classification (germline): Uncertain significance (1 of 4 stars; one submission).

Allele frequency attached by ClinVar (database versions not stated): ExAC 0.00002; gnomAD 0.00003 and 0.00004; TOPMed 0.00003; gnomAD exomes 0.00004 and 0.00006; ESP Exome Variant Server 0.00015.
gnomAD v4.1: 92 of 1,611,774 alleles (0.0057%); highest among the groups gnomAD compares: East Asian, 0.0089%; no homozygotes.

Submission:

Labcorp Genetics (formerly Invitae), Labcorp
Classification: Uncertain significance. Last evaluated: 2023-10-03. Review status: criteria provided, single submitter. Criteria: Invitae Variant Classification Sherloc (09022015). Collection method: clinical testing. Allele origin: germline.
Comment: This sequence change replaces arginine, which is basic and polar, with glutamine, which is neutral and polar, at codon 535 of the FERMT1 protein (p.Arg535Gln). This variant is present in population databases (rs373229817, gnomAD 0.007%). This variant has not been reported in the literature in individuals affected with FERMT1-related conditions. ClinVar contains an entry for this variant (Variation ID: 1435015). Advanced modeling of protein sequence and biophysical properties (such as structural, functional, and spatial information, amino acid conservation, physicochemical variation, residue mobility, and thermodynamic stability) has been performed at Invitae for this missense variant, however the output from this modeling did not meet the statistical confidence thresholds required to predict the impact of this variant on FERMT1 protein function. In summary, the available evidence is currently insufficient to determine the role of this variant in disease. Therefore, it has been classified as a Variant of Uncertain Significance.